The following is an entry in ClinVar:

ClinVar aggregate classification (germline): Uncertain significance (1 of 4 stars; one submission).

Conditions:
Adams-Oliver syndrome 5 (AOS5). Identifiers: Orphanet 974, MedGen C4014970, MONDO:0014459, OMIM 616028.

gnomAD v4.1: 1 of 1,604,470 alleles (0.000062%); highest among the groups gnomAD compares: Non-Finnish European, 0.000085%; no homozygotes.

Submission:

Labcorp Genetics (formerly Invitae), Labcorp
Classification: Uncertain significance for Adams-Oliver syndrome 5. Last evaluated: 2022-03-05. Review status: criteria provided, single submitter. Criteria: Invitae Variant Classification Sherloc (09022015). Collection method: clinical testing. Allele origin: germline.
Comment: This sequence change replaces leucine, which is neutral and non-polar, with methionine, which is neutral and non-polar, at codon 1559 of the NOTCH1 protein (p.Leu1559Met). This variant is not present in population databases (gnomAD no frequency). This variant has not been reported in the literature in individuals affected with NOTCH1-related conditions. Advanced modeling of protein sequence and biophysical properties (such as structural, functional, and spatial information, amino acid conservation, physicochemical variation, residue mobility, and thermodynamic stability) performed at Invitae indicates that this missense variant is not expected to disrupt NOTCH1 protein function. In summary, the available evidence is currently insufficient to determine the role of this variant in disease. Therefore, it has been classified as a Variant of Uncertain Significance.

NM_017617.5(NOTCH1):c.4675C>A (p.Leu1559Met)

Gene: NOTCH1 (notch receptor 1; minus strand). Cytogenetic location: 9q34.3.
Variant type: single nucleotide variant.
Coding change: c.4675C>A on transcript NM_017617.5 (MANE Select); coding-DNA position 4675, C replaced by A.
Protein change: p.Leu1559Met; replaces leucine 1559 with methionine.
Molecular consequence: missense variant.
Genome position (GRCh38, 1-based): chr9:136,505,016, G>T on the plus strand (C>A on the coding strand, the complement: NOTCH1 is on the minus strand). VCF-style: chr9-136505016-G-T. GRCh37 (hg19) VCF-style: chr9-139399468-G-T.
Other names: short protein forms L1559M.
Identifiers: ClinVar variation 2107186 (VCV002107186.4), dbSNP rs370713185, ClinGen allele CA375645601.